The following is an entry in ClinVar:

NM_001394062.1(MACF1):c.13807A>G (p.Ile4603Val)

Gene: MACF1 (microtubule actin crosslinking factor 1; plus strand). Cytogenetic location: 1p34.3.
Variant type: single nucleotide variant.
Coding change: c.13807A>G on transcript NM_001394062.1 (MANE Select); coding-DNA position 13807, A replaced by G.
Protein change: p.Ile4603Val; replaces isoleucine 4603 with valine.
Molecular consequence: missense variant.
Genome position (GRCh38, 1-based): chr1:39,382,111, A>G. VCF-style: chr1-39382111-A-G. GRCh37 (hg19) VCF-style: chr1-39847783-A-G.
Other names: c.7621A>G, p.Ile2541Val (NM_012090.5); short protein forms I2541V, I4603V.
Identifiers: ClinVar variation 3063949 (VCV003063949.1), dbSNP rs759618525, ClinGen allele CA782135.
Genomic context (GRCh38, chr1:39,382,111, plus strand): 5'-CAGCTCCGGCCGTGGCTGATGGAGAAAGAACTGATGATGGGAGTGCTGGGGCCCCTGTCT[A>G]TTGACCCCAACATGTTGAATGCACAAAAGCAACAGGTCCAGGTGAGCAATATAGCAACAA-3'
Protein context (NP_001380991.1, residues 4593-4613): LMMGVLGPLS[Ile4603Val]DPNMLNAQKQ

ClinVar aggregate classification (germline): Uncertain significance (1 of 4 stars; one submission).

Allele frequency attached by ClinVar (database versions not stated): ExAC 0.00001; gnomAD 0.00001; gnomAD exomes 0.00001.
gnomAD v4.1: 5 of 1,613,918 alleles (0.00031%); highest among the groups gnomAD compares: African/African-American, 0.0013%; no homozygotes.

Submission:

Women's Health and Genetics/Laboratory Corporation of America, LabCorp
Classification: Uncertain significance. Last evaluated: 2024-01-16. Review status: criteria provided, single submitter. Criteria: LabCorp Variant Classification Summary - May 2015. Collection method: clinical testing. Allele origin: germline.
Comment: Variant summary: MACF1 c.7621A>G (p.Ile2541Val) results in a conservative amino acid change in the encoded protein sequence. Three of five in-silico tools predict a benign effect of the variant on protein function. The variant allele was found at a frequency of 4e-06 in 251268 control chromosomes. The available data on variant occurrences in the general population are insufficient to allow any conclusion about variant significance. To our knowledge, no occurrence of c.7621A>G in individuals affected with Lissencephaly 9 With Complex Brainstem Malformation and no experimental evidence demonstrating its impact on protein function have been reported. No submitters have cited clinical-significance assessments for this variant to ClinVar. Based on the evidence outlined above, the variant was classified as uncertain significance.